The following is an entry in ClinVar:

ClinVar aggregate classification (germline): Likely pathogenic (1 of 4 stars; one submission).

Conditions:
Charcot-Marie-Tooth disease type 4. Also called: Charcot-Marie-Tooth, Type 4; Charcot-Marie-Tooth disease, type IV. Identifiers: Orphanet 64749, MedGen C4082197, MONDO:0018995.

Allele frequency attached by ClinVar (database versions not stated): gnomAD 0.00001; TOPMed 0.00001.
gnomAD v4.1: 2 of 1,513,662 alleles (0.00013%); highest among the groups gnomAD compares: African/African-American, 0.0014%; no homozygotes.

Submission:

Labcorp Genetics (formerly Invitae), Labcorp
Classification: Likely pathogenic for Charcot-Marie-Tooth disease type 4. Last evaluated: 2021-01-14. Review status: criteria provided, single submitter. Criteria: Invitae Variant Classification Sherloc (09022015). Collection method: clinical testing. Allele origin: germline.
Comment: This sequence change affects a donor splice site in intron 12 of the FIG4 gene. It is expected to disrupt RNA splicing. Variants that disrupt the donor or acceptor splice site typically lead to a loss of protein function (PMID: 16199547), and loss-of-function variants in FIG4 are known to be pathogenic (PMID: 23623387). This variant is present in population databases (rs754338522, ExAC 0.01%). This variant has not been reported in the literature in individuals with FIG4-related conditions. Algorithms developed to predict the effect of sequence changes on RNA splicing suggest that this variant may disrupt the consensus splice site, but this prediction has not been confirmed by published transcriptional studies. In summary, the currently available evidence indicates that the variant is pathogenic, but additional data are needed to prove that conclusively. Therefore, this variant has been classified as Likely Pathogenic.

Literature cited by the submitters: PubMed 16199547; PubMed 23623387.

NM_014845.6(FIG4):c.1388+1G>A

Gene: FIG4 (FIG4 phosphoinositide 5-phosphatase; plus strand). Cytogenetic location: 6q21.
Variant type: single nucleotide variant.
Coding change: c.1388+1G>A on transcript NM_014845.6 (MANE Select); the canonical splice donor site of the intron after coding-DNA position 1388, G replaced by A.
Molecular consequence: splice donor variant.
Genome position (GRCh38, 1-based): chr6:109,762,208, G>A. VCF-style: chr6-109762208-G-A. GRCh37 (hg19) VCF-style: chr6-110083411-G-A.
Identifiers: ClinVar variation 1481521 (VCV001481521.8), dbSNP rs754338522, ClinGen allele CA3956054.